The following is an entry in ClinVar:

NC_000020.10:g.(?_25295541)_(25300974_?)del

Gene: ABHD12 (abhydrolase domain containing 12, lysophospholipase; minus strand). Cytogenetic location: 20p11.21.
Variant type: Deletion.
Identifiers: ClinVar variation 2423579 (VCV002423579.3).

ClinVar aggregate classification (germline): Pathogenic (1 of 4 stars; one submission).

Submission:

Labcorp Genetics (formerly Invitae), Labcorp
Classification: Pathogenic. Last evaluated: 2022-10-25. Review status: criteria provided, single submitter. Criteria: Invitae Variant Classification Sherloc (09022015). Collection method: clinical testing. Allele origin: germline.
Comment: This variant is a gross deletion of the genomic region encompassing exon(s) 4-6 of the ABHD12 gene. This deletion is out-of-frame, and is expected to create a premature termination codon and result in an absent or disrupted protein product. Loss-of-function variants in ABHD12 are known to be pathogenic (PMID: 20797687). This variant has not been reported in the literature in individuals affected with ABHD12-related conditions. For these reasons, this variant has been classified as Pathogenic.

Literature cited by the submitters: PubMed 20797687.